The following is an entry in ClinVar:

NM_003322.6(TULP1):c.1560C>G (p.Tyr520Ter)

Gene: TULP1 (TUB like protein 1; minus strand). Cytogenetic location: 6p21.31.
Variant type: single nucleotide variant.
Coding change: c.1560C>G on transcript NM_003322.6 (MANE Select); coding-DNA position 1560, C replaced by G.
Protein change: p.Tyr520Ter; replaces tyrosine 520 with a stop codon.
Molecular consequence: nonsense.
Genome position (GRCh38, 1-based): chr6:35,498,396, G>C on the plus strand (C>G on the coding strand, the complement: TULP1 is on the minus strand). VCF-style: chr6-35498396-G-C. GRCh37 (hg19) VCF-style: chr6-35466173-G-C.
Other names: c.1401C>G, p.Tyr467Ter (NM_001289395.2); short protein forms Y467*, Y520*.
Identifiers: ClinVar variation 1977826 (VCV001977826.5), dbSNP rs773968778, ClinGen allele CA363778266.

ClinVar aggregate classification (germline): Pathogenic (1 of 4 stars; one submission).

Submission:

Labcorp Genetics (formerly Invitae), Labcorp
Classification: Pathogenic. Last evaluated: 2021-12-17. Review status: criteria provided, single submitter. Criteria: Invitae Variant Classification Sherloc (09022015). Collection method: clinical testing. Allele origin: germline.
Comment: This variant is not present in population databases (gnomAD no frequency). This variant has not been reported in the literature in individuals affected with TULP1-related conditions. This variant disrupts a region of the TULP1 protein in which other variant(s) (p.Pro521Ser) have been determined to be pathogenic (PMID: 27440997, 33090715). This suggests that this is a clinically significant region of the protein, and that variants that disrupt it are likely to be disease-causing. For these reasons, this variant has been classified as Pathogenic. This sequence change creates a premature translational stop signal (p.Tyr520*) in the TULP1 gene. While this is not anticipated to result in nonsense mediated decay, it is expected to disrupt the last 23 amino acid(s) of the TULP1 protein.

Literature cited by the submitters: PubMed 27440997; PubMed 33090715.